The following is an entry in ClinVar:

ClinVar aggregate classification (germline): Uncertain significance (1 of 4 stars; one submission).

Conditions:
Neurofibromatosis, type 1 (NF1). Also called: NEUROFIBROMATOSIS, TYPE I, SOMATIC; Neurofibromatosis, type I; Peripheral type neurofibromatosis; VON RECKLINGHAUSEN DISEASE. Identifiers: Orphanet 636, MedGen C0027831, MONDO:0018975, OMIM 162200. Disease mechanism: loss of function.

Submission:

Labcorp Genetics (formerly Invitae), Labcorp
Classification: Uncertain significance for Neurofibromatosis, type 1. Last evaluated: 2023-03-16. Review status: criteria provided, single submitter. Criteria: Invitae Variant Classification Sherloc (09022015). Collection method: clinical testing. Allele origin: germline.
Comment: In summary, the available evidence is currently insufficient to determine the role of this variant in disease. Therefore, it has been classified as a Variant of Uncertain Significance. An algorithm developed to predict the effect of missense changes on protein structure and function (PolyPhen-2) suggests that this variant is likely to be disruptive. This variant has not been reported in the literature in individuals affected with NF1-related conditions. This variant is not present in population databases (gnomAD no frequency). This sequence change replaces threonine, which is neutral and polar, with isoleucine, which is neutral and non-polar, at codon 750 of the NF1 protein (p.Thr750Ile).

NM_001042492.3(NF1):c.2249C>T (p.Thr750Ile)

Gene: NF1 (neurofibromin 1; plus strand). Cytogenetic location: 17q11.2.
Variant type: single nucleotide variant.
Coding change: c.2249C>T on transcript NM_001042492.3 (MANE Select); coding-DNA position 2249, C replaced by T.
Protein change: p.Thr750Ile; replaces threonine 750 with isoleucine.
Molecular consequence: missense variant.
Genome position (GRCh38, 1-based): chr17:31,226,682, C>T. VCF-style: chr17-31226682-C-T. GRCh37 (hg19) VCF-style: chr17-29553700-C-T.
Other names: c.2249C>T, p.Thr750Ile (NM_000267.4); short protein forms T750I.
Identifiers: ClinVar variation 3000900 (VCV003000900.3), dbSNP rs2151426169, ClinGen allele CA398982592.